The following is an entry in ClinVar:

ClinVar aggregate classification (germline): Uncertain significance. Review status: criteria provided, multiple submitters, no conflicts (2 of 4 stars). 3 submissions from 3 submitters: Uncertain significance (3). Last evaluated 2024-10-07.

Conditions:
Cardiovascular phenotype. Identifiers: MedGen CN230736.
Myofibrillar myopathy 4. Also called: Zaspopathy (type). Identifiers: Orphanet 98912, MedGen C4721886, MONDO:0012277, OMIM 609452.

Allele frequency attached by ClinVar (database versions not stated): ExAC 0.00001; gnomAD 0.00001; gnomAD exomes 0.00001; TOPMed 0.00002; 1000 Genomes Project 0.00020; 1000 Genomes Project 30x 0.00031.
gnomAD v4.1: 14 of 1,612,442 alleles (0.00087%); highest among the groups gnomAD compares: Admixed American, 0.005%; no homozygotes.

Submissions (3):

Labcorp Genetics (formerly Invitae), Labcorp
Classification: Uncertain significance for Myofibrillar myopathy 4. Last evaluated: 2024-10-07. Review status: criteria provided, single submitter. Criteria: Invitae Variant Classification Sherloc (09022015). Collection method: clinical testing. Allele origin: germline.
Comment: The LDB3 gene has multiple clinically relevant transcripts. This variant occurs in alternate transcript NM_007078.3 and corresponds to NM_001080116.1:c.321+1372A>G in the primary transcript. This sequence change replaces arginine, which is basic and polar, with glycine, which is neutral and non-polar, at codon 139 of the LDB3 protein (p.Arg139Gly). This variant is present in population databases (rs199801766, gnomAD 0.003%). This variant has not been reported in the literature in individuals affected with LDB3-related conditions. ClinVar contains an entry for this variant (Variation ID: 1330942). Experimental studies and prediction algorithms are not available or were not evaluated, and the functional significance of this variant is currently unknown. Algorithms developed to predict the effect of sequence changes on RNA splicing suggest that this variant is not likely to affect RNA splicing. In summary, the available evidence is currently insufficient to determine the role of this variant in disease. Therefore, it has been classified as a Variant of Uncertain Significance.

Ambry Genetics
Classification: Uncertain significance for Cardiovascular phenotype. Last evaluated: 2024-09-26. Review status: criteria provided, single submitter. Criteria: Ambry Variant Classification Scheme 2023. Collection method: clinical testing. Allele origin: germline.

ARUP Laboratories, Molecular Genetics and Genomics, ARUP Laboratories
Classification: Uncertain significance. Last evaluated: 2020-12-14. Review status: criteria provided, single submitter. Criteria: ARUP Molecular Germline Variant Investigation Process 2021. Collection method: clinical testing. Allele origin: germline.
Comment: The LDB3 c.415A>G; p.Arg139Gly variant (rs199801766), to our knowledge, is not reported in the medical literature or gene-specific databases. This variant is found on only three chromosomes (3/247834 alleles) in the Genome Aggregation Database. The arginine at codon 139 is weakly conserved, and computational analyses predict that this variant is neutral (REVEL: 0.069). However, given the lack of clinical and functional data, the significance of the p.Arg139Gly variant is uncertain at this time.

NM_007078.3(LDB3):c.415A>G (p.Arg139Gly)

Gene: LDB3 (LIM domain binding 3; plus strand). Cytogenetic location: 10q23.2.
Variant type: single nucleotide variant.
Coding change: c.415A>G on transcript NM_007078.3 (MANE Select); coding-DNA position 415, A replaced by G.
Protein change: p.Arg139Gly; replaces arginine 139 with glycine.
Molecular consequence: missense variant. On other transcripts: intron variant (5).
Genome position (GRCh38, 1-based): chr10:86,681,529, A>G. VCF-style: chr10-86681529-A-G. GRCh37 (hg19) VCF-style: chr10-88441286-A-G.
Other names: c.415A>G, p.Arg139Gly (NM_001080115.2, NM_001171610.2, NM_001171611.2 and 3 more transcripts); c.321+1372A>G (NM_001368068.1, NM_001368066.1, NM_001080114.2 and 2 more transcripts); c.415A>G (NM_007078.2); short protein forms R139G.
Identifiers: ClinVar variation 1330942 (VCV001330942.16), dbSNP rs199801766, ClinGen allele CA5584699.